The following is an entry in ClinVar:

ClinVar aggregate classification (germline): Uncertain significance. Review status: criteria provided, multiple submitters, no conflicts (2 of 4 stars). 4 submissions from 4 submitters: Uncertain significance (4). Last evaluated 2025-06-03.

Conditions:
Deficiency of beta-ureidopropionase (UPB1D). Also called: Beta-ureidopropionase deficiency. Identifiers: Orphanet 65287, MedGen C1291512, MONDO:0013164, OMIM 613161.
Inborn genetic diseases. Identifiers: MedGen C0950123, MeSH D030342.

Allele frequency attached by ClinVar (database versions not stated): gnomAD 0.00001; gnomAD exomes 0.00004 and 0.00005; TOPMed 0.00005; ExAC 0.00006; ESP Exome Variant Server 0.00008.
gnomAD v4.1: 72 of 1,614,060 alleles (0.0045%); highest among the groups gnomAD compares: South Asian, 0.019%; no homozygotes.

Submissions (4):

Ambry Genetics
Classification: Uncertain significance for Inborn genetic diseases. Last evaluated: 2025-06-03. Review status: criteria provided, single submitter. Criteria: Ambry Variant Classification Scheme 2023. Collection method: clinical testing. Allele origin: germline.

Labcorp Genetics (formerly Invitae), Labcorp
Classification: Uncertain significance. Last evaluated: 2023-11-27. Review status: criteria provided, single submitter. Criteria: Invitae Variant Classification Sherloc (09022015). Collection method: clinical testing. Allele origin: germline.
Comment: This sequence change replaces glycine, which is neutral and non-polar, with arginine, which is basic and polar, at codon 226 of the UPB1 protein (p.Gly226Arg). This variant is present in population databases (rs147133523, gnomAD 0.02%). This variant has not been reported in the literature in individuals affected with UPB1-related conditions. ClinVar contains an entry for this variant (Variation ID: 899539). Advanced modeling of protein sequence and biophysical properties (such as structural, functional, and spatial information, amino acid conservation, physicochemical variation, residue mobility, and thermodynamic stability) performed at Invitae indicates that this missense variant is expected to disrupt UPB1 protein function with a positive predictive value of 80%. In summary, the available evidence is currently insufficient to determine the role of this variant in disease. Therefore, it has been classified as a Variant of Uncertain Significance.

Blueprint Genetics
Classification: Uncertain significance. Last evaluated: 2022-10-07. Review status: criteria provided, single submitter. Criteria: ACMG Guidelines, 2015. Collection method: clinical testing. Allele origin: germline.

Illumina Laboratory Services, Illumina
Classification: Uncertain significance for Deficiency of beta-ureidopropionase. Last evaluated: 2018-01-13. Review status: criteria provided, single submitter. Criteria: ICSL Variant Classification Criteria 13 December 2019. Collection method: clinical testing. Allele origin: germline.

NM_016327.3(UPB1):c.676G>A (p.Gly226Arg)

Gene: UPB1 (beta-ureidopropionase 1; plus strand). Cytogenetic location: 22q11.23.
Variant type: single nucleotide variant.
Coding change: c.676G>A on transcript NM_016327.3 (MANE Select); coding-DNA position 676, G replaced by A.
Protein change: p.Gly226Arg; replaces glycine 226 with arginine.
Molecular consequence: missense variant.
Genome position (GRCh38, 1-based): chr22:24,515,255, G>A. VCF-style: chr22-24515255-G-A. GRCh37 (hg19) VCF-style: chr22-24911223-G-A.
Other names: short protein forms G226R.
Identifiers: ClinVar variation 899539 (VCV000899539.8), dbSNP rs147133523, ClinGen allele CA10153304.
Genomic context (GRCh38, chr22:24,515,255, plus strand): 5'-TTTCAGTCAACTTACTACATGGAGGGAAACCTGGGCCACCCCGTGTTCCAGACGCAGTTC[G>A]GAAGGATCGCGGTGAACATTTGCTACGGGCGGCACCACCCCCTCAACTGGCTTATGTACA-3'
Protein context (NP_057411.1, residues 216-236): LGHPVFQTQF[Gly226Arg]RIAVNICYGR